The following is an entry in ClinVar:

NM_014251.3(SLC25A13):c.984G>A (p.Ser328=)

Gene: SLC25A13 (solute carrier family 25 member 13; minus strand). Cytogenetic location: 7q21.3.
Variant type: single nucleotide variant.
Coding change: c.984G>A on transcript NM_014251.3 (MANE Select); coding-DNA position 984, G replaced by A.
Protein change: p.Ser328=; no amino-acid change (serine 328 retained).
Molecular consequence: synonymous variant. On other transcripts: non-coding transcript variant (1).
Genome position (GRCh38, 1-based): chr7:96,184,961, C>T on the plus strand (G>A on the coding strand, the complement: SLC25A13 is on the minus strand). VCF-style: chr7-96184961-C-T. GRCh37 (hg19) VCF-style: chr7-95814273-C-T.
Other names: c.987G>A, p.Ser329= (NM_001160210.2); c.984G>A (NM_014251.2).
Identifiers: ClinVar variation 1122037 (VCV001122037.10), dbSNP rs760851084, ClinGen allele CA4353074.
Genomic context (GRCh38, chr7:96,184,961, plus strand): 5'-AAATTTTTCTCTCATCCATGACTAACCTCCAGCAACAGAACCCAGACCAAACCTGTAGGC[C>T]GACTCTGCAACTTGTAGAAGAACTGGTCGAGCTGAATCACCTGAGGCCTTCTGCTTTGCA-3'
Protein context (NP_055066.1, residues 318-338): ARPVLLQVAE[Ser328=]AYRFGLGSVA

ClinVar aggregate classification (germline): Likely benign. Review status: criteria provided, multiple submitters, no conflicts (2 of 4 stars). 2 submissions from 2 submitters: Likely benign (2). Last evaluated 2025-12-31.

Conditions:
SLC25A13-related disorder. Also called: SLC25A13-related condition.
Citrin deficiency. Identifiers: Orphanet 247582, MedGen C1997910, MONDO:0016602.

Allele frequency attached by ClinVar (database versions not stated): gnomAD 0.00001; gnomAD exomes 0.00001 and 0.00003; ExAC 0.00002; TOPMed 0.00002.
gnomAD v4.1: 23 of 1,614,010 alleles (0.0014%); highest among the groups gnomAD compares: Middle Eastern, 0.033%; 1 homozygote.

Submissions (2):

PreventionGenetics, part of Exact Sciences
Classification: Likely benign for SLC25A13-related condition. Last evaluated: 2025-12-31. Review status: criteria provided, single submitter. Criteria: ACMG Guidelines, 2015. Collection method: clinical testing. Allele origin: germline.
Comment: This variant is classified as likely benign based on ACMG/AMP sequence variant interpretation guidelines (Richards et al. 2015 PMID: 25741868, with internal and published modifications).

Labcorp Genetics (formerly Invitae), Labcorp
Classification: Likely benign for Citrin deficiency. Last evaluated: 2024-02-17. Review status: criteria provided, single submitter. Criteria: Invitae Variant Classification Sherloc (09022015). Collection method: clinical testing. Allele origin: germline.